The following is an entry in ClinVar:

NM_016653.3(MAP3K20):c.2175C>A (p.His725Gln)

Genes: MAP3K20 (mitogen-activated protein kinase kinase kinase 20; plus strand), MAP3K20-AS1 (MAP3K20 antisense RNA 1; minus strand). Cytogenetic location: 2q31.1.
Variant type: single nucleotide variant.
Coding change: c.2175C>A on transcript NM_016653.3 (MANE Select); coding-DNA position 2175, C replaced by A.
Protein change: p.His725Gln; replaces histidine 725 with glutamine.
Molecular consequence: missense variant.
Genome position (GRCh38, 1-based): chr2:173,266,522, C>A. VCF-style: chr2-173266522-C-A. GRCh37 (hg19) VCF-style: chr2-174131250-C-A.
Other names: short protein forms H725Q.
Identifiers: ClinVar variation 1351951 (VCV001351951.3), dbSNP rs771704862, ClinGen allele CA1971046.

ClinVar aggregate classification (germline): Uncertain significance (1 of 4 stars; one submission).

Allele frequency attached by ClinVar (database versions not stated): ExAC 0.00001; gnomAD 0.00001; gnomAD exomes 0.00002 and 0.00004.
gnomAD v4.1: 11 of 1,613,858 alleles (0.00068%); highest among the groups gnomAD compares: Admixed American, 0.018%; no homozygotes.

Submission:

Labcorp Genetics (formerly Invitae), Labcorp
Classification: Uncertain significance. Last evaluated: 2022-03-22. Review status: criteria provided, single submitter. Criteria: Invitae Variant Classification Sherloc (09022015). Collection method: clinical testing. Allele origin: germline.
Comment: This sequence change replaces histidine, which is basic and polar, with glutamine, which is neutral and polar, at codon 725 of the MAP3K20 protein (p.His725Gln). This variant is present in population databases (rs771704862, gnomAD 0.03%). This variant has not been reported in the literature in individuals affected with MAP3K20-related conditions. Experimental studies and prediction algorithms are not available or were not evaluated, and the functional significance of this variant is currently unknown. In summary, the available evidence is currently insufficient to determine the role of this variant in disease. Therefore, it has been classified as a Variant of Uncertain Significance.